The following is an entry in ClinVar:

NM_020975.6(RET):c.2979C>G (p.Asp993Glu)

Gene: RET (ret proto-oncogene; plus strand). Cytogenetic location: 10q11.21.
Variant type: single nucleotide variant.
Coding change: c.2979C>G on transcript NM_020975.6 (MANE Select); coding-DNA position 2979, C replaced by G.
Protein change: p.Asp993Glu; replaces aspartic acid 993 with glutamic acid.
Molecular consequence: missense variant.
Genome position (GRCh38, 1-based): chr10:43,124,922, C>G. VCF-style: chr10-43124922-C-G. GRCh37 (hg19) VCF-style: chr10-43620370-C-G.
Other names: c.2979C>G, p.Asp993Glu (NM_000323.2, NM_001406743.1, NM_001406744.1 and 4 more transcripts); c.2217C>G, p.Asp739Glu (NM_001355216.2); c.2850C>G, p.Asp950Glu (NM_001406761.1, NM_001406762.1, NM_001406764.1); c.2844C>G, p.Asp948Glu (NM_001406763.1, NM_001406765.1); c.2691C>G, p.Asp897Glu (NM_001406766.1, NM_001406767.1, NM_001406770.1); c.2715C>G, p.Asp905Glu (NM_001406768.1); c.2583C>G, p.Asp861Glu (NM_001406769.1, NM_001406772.1); c.2541C>G, p.Asp847Glu (NM_001406771.1, NM_001406773.1); and 10 more; short protein forms D739E, D993E, D651E, D897E, D510E, D649E, D663E, D847E.
Identifiers: ClinVar variation 1005962 (VCV001005962.11), dbSNP rs1368893442, ClinGen allele CA376558115.
Genomic context (GRCh38, chr10:43,124,922, plus strand): 5'-CCTGTCTGCTCTTCCCACCAGGTACCGCCTGATGCTGCAATGCTGGAAGCAGGAGCCGGA[C>G]AAAAGGCCGGTGTTTGCGGACATCAGCAAAGACCTGGAGAAGATGATGGTTAAGAGGAGA-3'
Protein context (NP_066124.1, residues 983-1003): LMLQCWKQEP[Asp993Glu]KRPVFADISK

ClinVar aggregate classification (germline): Uncertain significance. Review status: criteria provided, multiple submitters, no conflicts (2 of 4 stars). 3 submissions from 3 submitters: Uncertain significance (3). Last evaluated 2024-03-21.

Conditions:
Hereditary cancer-predisposing syndrome. Also called: Hereditary neoplastic syndrome; Neoplastic Syndromes, Hereditary; Tumor predisposition; Hereditary Cancer Syndrome. Identifiers: Orphanet 140162, MedGen C0027672, MeSH D009386, MONDO:0015356.
Multiple endocrine neoplasia, type 2 (MEN2). Identifiers: Orphanet 653, MedGen C4048306, MONDO:0019003. Disease mechanism: gain of function.

Allele frequency attached by ClinVar (database versions not stated): TOPMed below 0.00001; gnomAD 0.00001.

Submissions (3):

Ambry Genetics
Classification: Uncertain significance for Hereditary cancer-predisposing syndrome. Last evaluated: 2024-03-21. Review status: criteria provided, single submitter. Criteria: Ambry Variant Classification Scheme 2023. Collection method: clinical testing. Allele origin: germline.
Comment: The p.D993E variant (also known as c.2979C>G), located in coding exon 18 of the RET gene, results from a C to G substitution at nucleotide position 2979. The aspartic acid at codon 993 is replaced by glutamic acid, an amino acid with highly similar properties. This amino acid position is conserved. In addition, this alteration is predicted to be tolerated by in silico analysis. Based on the available evidence, the clinical significance of this alteration remains unclear.

Labcorp Genetics (formerly Invitae), Labcorp
Classification: Uncertain significance for Multiple endocrine neoplasia, type 2. Last evaluated: 2023-09-13. Review status: criteria provided, single submitter. Criteria: Invitae Variant Classification Sherloc (09022015). Collection method: clinical testing. Allele origin: germline.
Comment: In summary, the available evidence is currently insufficient to determine the role of this variant in disease. Therefore, it has been classified as a Variant of Uncertain Significance. An algorithm developed to predict the effect of missense changes on protein structure and function (PolyPhen-2) suggests that this variant is likely to be tolerated. ClinVar contains an entry for this variant (Variation ID: 1005962). This variant has not been reported in the literature in individuals affected with RET-related conditions. This variant is not present in population databases (gnomAD no frequency). This sequence change replaces aspartic acid, which is acidic and polar, with glutamic acid, which is acidic and polar, at codon 993 of the RET protein (p.Asp993Glu).

All of Us Research Program, National Institutes of Health
Classification: Uncertain significance for Multiple endocrine neoplasia, type 2. Last evaluated: 2023-06-26. Review status: criteria provided, single submitter. Criteria: ACMG Guidelines, 2015. Collection method: clinical testing. Allele origin: germline. Inheritance: Autosomal dominant inheritance. Observed: 2 variant alleles, 2 heterozygotes.
Comment: This missense variant replaces aspartic acid with glutamic acid at codon 993 of the RET protein. Computational prediction suggests that this variant may not impact protein structure and function (internally defined REVEL score threshold <= 0.5, PMID: 27666373). To our knowledge, functional studies have not been reported for this variant. This variant has not been reported in individuals affected with hereditary cancer in the literature. This variant has not been identified in the general population by the Genome Aggregation Database (gnomAD). The available evidence is insufficient to determine the role of this variant in disease conclusively. Therefore, this variant is classified as a Variant of Uncertain Significance.

This study involves interpretation of variants in research participants for the purpose of population health screening. Participant phenotype was not available at the time of variant classification. Additional details can be found in publication PMID: 35346344, PMCID: PMC8962531